The following is an entry in ClinVar:

ClinVar aggregate classification (germline): Uncertain significance (1 of 4 stars; one submission).

Conditions:
Perrault syndrome. Also called: Gonadal dysgenesis with auditory dysfunction, autosomal recessive inheritance. Identifiers: Orphanet 2855, MedGen C0685838, MONDO:0017312.
Bifunctional peroxisomal enzyme deficiency (DBIF). Also called: D-bifunctional protein deficiency; PBFE DEFICIENCY; DBP DEFICIENCY. Identifiers: Orphanet 300, MedGen C0342870, MONDO:0009855, OMIM 261515. Disease mechanism: loss of function.

Submission:

Labcorp Genetics (formerly Invitae), Labcorp
Classification: Uncertain significance for Perrault syndrome; Bifunctional peroxisomal enzyme deficiency. Last evaluated: 2022-05-23. Review status: criteria provided, single submitter. Criteria: Invitae Variant Classification Sherloc (09022015). Collection method: clinical testing. Allele origin: germline.
Comment: This sequence change falls in intron 7 of the HSD17B4 gene. It does not directly change the encoded amino acid sequence of the HSD17B4 protein. It affects a nucleotide within the consensus splice site. This variant is not present in population databases (gnomAD no frequency). This variant has not been reported in the literature in individuals affected with HSD17B4-related conditions. Variants that disrupt the consensus splice site are a relatively common cause of aberrant splicing (PMID: 17576681, 9536098). Algorithms developed to predict the effect of sequence changes on RNA splicing suggest that this variant may disrupt the consensus splice site. In summary, the available evidence is currently insufficient to determine the role of this variant in disease. Therefore, it has been classified as a Variant of Uncertain Significance.

Literature cited by the submitters: PubMed 17576681; PubMed 9536098.

NM_000414.4(HSD17B4):c.434+5A>G

Gene: HSD17B4 (hydroxysteroid 17-beta dehydrogenase 4; plus strand). Cytogenetic location: 5q23.1.
Variant type: single nucleotide variant.
Coding change: c.434+5A>G on transcript NM_000414.4 (MANE Select); 5 bases into the intron after coding-DNA position 434, A replaced by G.
Molecular consequence: intron variant.
Genome position (GRCh38, 1-based): chr5:119,477,506, A>G. VCF-style: chr5-119477506-A-G. GRCh37 (hg19) VCF-style: chr5-118813201-A-G.
Other names: c.23+5A>G (NM_001374503.1, NM_001374502.1, NM_001374501.1); c.509+5A>G (NM_001199291.3); c.107+5A>G (NM_001374499.1); c.-105+5A>G (NM_001374500.1); c.14+14A>G (NM_001292028.2); c.362+5A>G (NM_001292027.2); c.434+5A>G (NM_001374498.1); c.425+14A>G (NM_001374497.1); and 1 more.
Identifiers: ClinVar variation 1930874 (VCV001930874.2), dbSNP rs1037276486, ClinGen allele CA125860585.
Genomic context (GRCh38, chr5:119,477,506, plus strand): 5'-TCATTCCAAGTGACACGGGCAGCATGGGAACACATGAAGAAACAGAAGTATGGAAGGTAG[A>G]GTTGCATGTGGTTGTCAAGGGGGATTTAAGATGTTGTGTCTGGGGGTTCTTGTGTACAGG-3'